The following is an entry in ClinVar:

NM_001211.6(BUB1B):c.3100G>T (p.Ala1034Ser)

Genes: BUB1B (BUB1 mitotic checkpoint serine/threonine kinase B; plus strand), BUB1B-PAK6 (BUB1B-PAK6 readthrough; plus strand). Cytogenetic location: 15q15.1.
Variant type: single nucleotide variant.
Coding change: c.3100G>T on transcript NM_001211.6 (MANE Select); coding-DNA position 3100, G replaced by T.
Protein change: p.Ala1034Ser; replaces alanine 1034 with serine.
Molecular consequence: missense variant. On other transcripts: intron variant (2).
Genome position (GRCh38, 1-based): chr15:40,220,706, G>T. VCF-style: chr15-40220706-G-T. GRCh37 (hg19) VCF-style: chr15-40512907-G-T.
Other names: c.-201+3039G>T (NM_001128628.3); c.-118+3039G>T (NM_001128629.3); short protein forms A1034S.
Identifiers: ClinVar variation 4216982 (VCV004216982.1).

ClinVar aggregate classification (germline): Uncertain significance (1 of 4 stars; one submission).

Conditions:
Inborn genetic diseases. Identifiers: MedGen C0950123, MeSH D030342.

gnomAD v4.1: 4 of 1,614,178 alleles (0.00025%); highest among the groups gnomAD compares: Non-Finnish European, 0.00034%; no homozygotes.

Submission:

Ambry Genetics
Classification: Uncertain significance for Inborn genetic diseases. Last evaluated: 2025-09-14. Review status: criteria provided, single submitter. Criteria: Ambry Variant Classification Scheme 2023. Collection method: clinical testing. Allele origin: germline.
Comment: The p.A1034S variant (also known as c.3100G>T), located in coding exon 23 of the BUB1B gene, results from a G to T substitution at nucleotide position 3100. The alanine at codon 1034 is replaced by serine, an amino acid with similar properties. This amino acid position is conserved. In addition, this alteration is predicted to be tolerated by in silico analysis. Based on the available evidence, the clinical significance of this variant remains unclear.